The following is an entry in ClinVar:

ClinVar aggregate classification (germline): Likely pathogenic (1 of 4 stars; one submission).

Submission:

Athena Diagnostics
Classification: Likely pathogenic. Last evaluated: 2021-04-02. Review status: criteria provided, single submitter. Criteria: Athena Diagnostics Criteria. Collection method: clinical testing. Allele origin: unknown.
Comment: This variant is expected to result in the loss of a functional protein. This variant has not been reported in large, multi-ethnic general populations.This observation is not an independent occurrence and has been identified in the same individual by RCIGM, the other laboratory participating in the GEMINI study.

NM_004415.4(DSP):c.3924_3925del (p.His1309fs)

Gene: DSP (desmoplakin; plus strand). Cytogenetic location: 6p24.3.
Variant type: Deletion.
Coding change: c.3924_3925del on transcript NM_004415.4 (MANE Select); coding-DNA positions 3924 to 3925, 2 bases deleted (GC; older notation c.3924_3925delGC).
Protein change: p.His1309fs; shifts the reading frame from histidine 1309.
Molecular consequence: frameshift variant. On other transcripts: intron variant (1).
Genome position (GRCh38, 1-based): chr6:7,580,114-7,580,115, GC deleted. VCF-style (leftmost placement, unchanged base first): chr6-7580113-GGC-G. GRCh37 (hg19) VCF-style: chr6-7580346-GGC-G.
Other names: c.3924_3925del, p.His1309fs (NM_001319034.2); c.3582+342_3582+343del (NM_001008844.3); short protein forms H1309fs.
Identifiers: ClinVar variation 1809749 (VCV001809749.1), dbSNP rs2533926671, ClinGen allele CA2580075410.